The following is an entry in ClinVar:

NM_004329.3(BMPR1A):c.-164C>T

Gene: BMPR1A (bone morphogenetic protein receptor type 1A; plus strand). Cytogenetic location: 10q23.2.
Variant type: single nucleotide variant.
Coding change: c.-164C>T on transcript NM_004329.3 (MANE Select); 164 bases upstream of the start codon, C replaced by T.
Molecular consequence: 5 prime UTR variant.
Genome position (GRCh38, 1-based): chr10:86,838,968, C>T. VCF-style: chr10-86838968-C-T. GRCh37 (hg19) VCF-style: chr10-88598725-C-T.
Identifiers: ClinVar variation 385042 (VCV000385042.1), dbSNP rs1057522104, ClinGen allele CA16606081.

ClinVar aggregate classification (germline): Likely benign (1 of 4 stars; one submission).

Submission:

GeneDx
Classification: Likely benign. Last evaluated: 2016-03-24. Review status: criteria provided, single submitter. Criteria: GeneDx Variant Classification (06012015). Collection method: clinical testing. Allele origin: germline. Affected: yes.
Comment: This variant is considered likely benign or benign based on one or more of the following criteria: it is a conservative change, it occurs at a poorly conserved position in the protein, it is predicted to be benign by multiple in silico algorithms, and/or has population frequency not consistent with disease.